The following is an entry in ClinVar:

NM_001084.5(PLOD3):c.992T>C (p.Phe331Ser)

Gene: PLOD3 (procollagen-lysine,2-oxoglutarate 5-dioxygenase 3; minus strand). Cytogenetic location: 7q22.1.
Variant type: single nucleotide variant.
Coding change: c.992T>C on transcript NM_001084.5 (MANE Select); coding-DNA position 992, T replaced by C.
Protein change: p.Phe331Ser; replaces phenylalanine 331 with serine.
Molecular consequence: missense variant.
Genome position (GRCh38, 1-based): chr7:101,212,543, A>G on the plus strand (T>C on the coding strand, the complement: PLOD3 is on the minus strand). VCF-style: chr7-101212543-A-G. GRCh37 (hg19) VCF-style: chr7-100855824-A-G.
Other names: short protein forms F331S.
Identifiers: ClinVar variation 1950369 (VCV001950369.2), dbSNP rs755459809, ClinGen allele CA4407909.
Genomic context (GRCh38, chr7:101,212,543, plus strand): 5'-GGCAGGGAAAGGGTCCCTCAGGAGAGGCTCCAACAGGGGAGTCTCACGTTGTTGTGCAGG[A>G]AAAGGGTGACCCTGTCGGGGGGATAGTCCAGGAGTAGCAGCCGCTGCAGGAAGCGGGGCA-3'
Protein context (NP_001075.1, residues 321-341): LDYPPDRVTL[Phe331Ser]LHNNEVFHEP

ClinVar aggregate classification (germline): Uncertain significance (1 of 4 stars; one submission).

Allele frequency attached by ClinVar (database versions not stated): ExAC 0.00001; gnomAD 0.00001; TOPMed 0.00001; gnomAD exomes 0.00003.
gnomAD v4.1: 43 of 1,613,414 alleles (0.0027%); highest among the groups gnomAD compares: Non-Finnish European, 0.0036%; no homozygotes.

Submission:

Labcorp Genetics (formerly Invitae), Labcorp
Classification: Uncertain significance. Last evaluated: 2022-07-13. Review status: criteria provided, single submitter. Criteria: Invitae Variant Classification Sherloc (09022015). Collection method: clinical testing. Allele origin: germline.
Comment: This sequence change replaces phenylalanine, which is neutral and non-polar, with serine, which is neutral and polar, at codon 331 of the PLOD3 protein (p.Phe331Ser). This variant is present in population databases (rs755459809, gnomAD 0.005%). This variant has not been reported in the literature in individuals affected with PLOD3-related conditions. Algorithms developed to predict the effect of missense changes on protein structure and function are either unavailable or do not agree on the potential impact of this missense change (SIFT: "Deleterious"; PolyPhen-2: "Benign"; Align-GVGD: "Class C0"). In summary, the available evidence is currently insufficient to determine the role of this variant in disease. Therefore, it has been classified as a Variant of Uncertain Significance.